The following is an entry in ClinVar:

ClinVar aggregate classification (germline): Conflicting classifications of pathogenicity. Review status: criteria provided, conflicting classifications (1 of 4 stars). 9 submissions from 9 submitters: Uncertain significance (6); Likely benign (1). 2 of the submissions do not count toward it. Last evaluated 2026-01-27.

Conditions:
Niemann-Pick disease, type B. Also called: Chronic Visceral ASMD (Niemann-Pick Disease Type B; NPD-B). Identifiers: Orphanet 77293, MedGen C0268243, MONDO:0011871, OMIM 607616. Disease mechanism: loss of function.
Niemann-Pick disease, type A. Also called: SPHINGOMYELIN LIPIDOSIS; SPHINGOMYELINASE DEFICIENCY; Infantile Neurovisceral ASMD (Niemann-Pick Disease Type A; NPD-A). Identifiers: Orphanet 77292, MedGen C0268242, MONDO:0009756, OMIM 257200. Disease mechanism: loss of function.
SMPD1-related disorder. Also called: SMPD1-related condition.

Allele frequency attached by ClinVar (database versions not stated): gnomAD 0.00048 and 0.00051; gnomAD exomes 0.00049; TOPMed 0.00049; ExAC 0.00065; ESP Exome Variant Server 0.00077.

Submissions (9):

Labcorp Genetics (formerly Invitae), Labcorp
Classification: Likely benign for Niemann-Pick disease, type B; Niemann-Pick disease, type A. Last evaluated: 2026-01-27. Review status: criteria provided, single submitter. Criteria: Invitae Variant Classification Sherloc (09022015). Collection method: clinical testing. Allele origin: germline.

GeneDx
Classification: Uncertain significance. Last evaluated: 2025-10-01. Review status: criteria provided, single submitter. Criteria: GeneDx Variant Classification Process June 2021. Collection method: clinical testing. Allele origin: germline. Affected: yes.
Comment: In silico analysis suggests that this missense variant does not alter protein structure/function; Has not been previously published as pathogenic or benign to our knowledge

Women's Health and Genetics/Laboratory Corporation of America, LabCorp
Classification: Uncertain significance. Last evaluated: 2025-03-26. Review status: criteria provided, single submitter. Criteria: LabCorp Variant Classification Summary - May 2015. Collection method: clinical testing. Allele origin: germline.
Comment: Variant summary: SMPD1 c.1675G>A (p.Val559Ile) results in a conservative amino acid change in the encoded protein sequence. Four of four in-silico tools predict a benign effect of the variant on protein function. The variant allele was found at a frequency of 0.00049 in 251490 control chromosomes. This frequency is not significantly higher than estimated for a pathogenic variant in SMPD1 causing Niemann-Pick disease, type A (0.00049 vs 0.0011), allowing no conclusion about variant significance. To our knowledge, no occurrence of c.1675G>A in individuals affected with Niemann-Pick disease, type A and no experimental evidence demonstrating its impact on protein function have been reported. ClinVar contains an entry for this variant (Variation ID: 596316). Based on the evidence outlined above, the variant was classified as uncertain significance.

Department of Pathology and Laboratory Medicine, Sinai Health System
Classification: Uncertain significance for Niemann-Pick disease, type A; Niemann-Pick disease, type B. Last evaluated: 2023-03-12. Review status: criteria provided, single submitter. Criteria: ACMG Guidelines, 2015. Collection method: research. Allele origin: germline.

Institute for Clinical Genetics, University Hospital TU Dresden, University Hospital TU Dresden
Classification: Uncertain significance. Last evaluated: 2021-11-03. Review status: criteria provided, single submitter. Criteria: ACMG Guidelines, 2015. Collection method: clinical testing. Allele origin: germline.

Fulgent Genetics
Classification: Uncertain significance for Niemann-Pick disease, type A; Niemann-Pick disease, type B. Last evaluated: 2021-10-22. Review status: criteria provided, single submitter. Criteria: ACMG Guidelines, 2015. Collection method: clinical testing. Allele origin: unknown.

Eurofins Ntd Llc (ga)
Classification: Uncertain significance. Last evaluated: 2018-03-06. Review status: criteria provided, single submitter. Criteria: EGL ClinVar v180209 classification definitions. Collection method: clinical testing. Allele origin: germline. Observed: 2 variant alleles, 2 heterozygotes.

PreventionGenetics, part of Exact Sciences
Classification: Uncertain significance for SMPD1-related condition. Last evaluated: 2024-01-24. Review status: no assertion criteria provided. Collection method: clinical testing. Allele origin: germline. Not counted in ClinVar's aggregate classification.
Comment: The SMPD1 c.1675G>A variant is predicted to result in the amino acid substitution p.Val559Ile. To our knowledge, this variant has not been reported in the literature. This variant is reported in 0.090% of alleles in individuals of European (Non-Finnish) descent in gnomAD. Of note, a different variant impacting the same amino acid (p.Val559Leu) has been reported in the compound heterozygous state in a patient with sphingomyelinase deficiency and measurement of acid sphingomyelinase activity was supportive of a mild defect (Patient 18, Zhang et al. 2013. PubMed ID: 23356216). At this time, the clinical significance of the c.1675G>A (p.Val559Ile) variant is uncertain due to the absence of conclusive functional and genetic evidence.

Natera, Inc.
Classification: Uncertain significance for Niemann-Pick Disease, Types A/B. Last evaluated: 2017-11-17. Review status: no assertion criteria provided. Collection method: clinical testing. Allele origin: germline. Not counted in ClinVar's aggregate classification.

Literature cited by the submitters: PubMed 23356216 (cited by Eurofins Ntd Llc (ga)).

NM_000543.5(SMPD1):c.1675G>A (p.Val559Ile)

Gene: SMPD1 (sphingomyelin phosphodiesterase 1; plus strand). Cytogenetic location: 11p15.4.
Variant type: single nucleotide variant.
Coding change: c.1675G>A on transcript NM_000543.5 (MANE Select); coding-DNA position 1675, G replaced by A.
Protein change: p.Val559Ile; replaces valine 559 with isoleucine.
Molecular consequence: missense variant. On other transcripts: 3 prime UTR variant (1), non-coding transcript variant (2).
Genome position (GRCh38, 1-based): chr11:6,394,386, G>A. VCF-style: chr11-6394386-G-A. GRCh37 (hg19) VCF-style: chr11-6415616-G-A.
Other names: c.1672G>A, p.Val558Ile (NM_001007593.3); c.*168G>A (NM_001318087.2); c.754G>A, p.Val252Ile (NM_001318088.2); c.1543G>A, p.Val515Ile (NM_001365135.2); short protein forms V559I, V252I, V515I, V558I.
Identifiers: ClinVar variation 596316 (VCV000596316.25), dbSNP rs149939736, ClinGen allele CA5852963.